The following is an entry in ClinVar:

NM_025144.4(ALPK1):c.256G>C (p.Ala86Pro)

Gene: ALPK1 (alpha kinase 1; plus strand). Cytogenetic location: 4q25.
Variant type: single nucleotide variant.
Coding change: c.256G>C on transcript NM_025144.4 (MANE Select); coding-DNA position 256, G replaced by C.
Protein change: p.Ala86Pro; replaces alanine 86 with proline.
Molecular consequence: missense variant. On other transcripts: intron variant (1).
Genome position (GRCh38, 1-based): chr4:112,382,532, G>C. VCF-style: chr4-112382532-G-C. GRCh37 (hg19) VCF-style: chr4-113303688-G-C.
Other names: c.256G>C, p.Ala86Pro (NM_001102406.2); c.42+4634G>C (NM_001253884.2); c.256G>C (NM_025144.3); short protein forms A86P.
Identifiers: ClinVar variation 2416313 (VCV002416313.7), dbSNP rs773063913, ClinGen allele CA3046291.

ClinVar aggregate classification (germline): Uncertain significance. Review status: criteria provided, multiple submitters, no conflicts (2 of 4 stars). 2 submissions from 2 submitters: Uncertain significance (2). Last evaluated 2025-07-02.

Conditions:
Inborn genetic diseases. Identifiers: MedGen C0950123, MeSH D030342.

gnomAD v4.1: 12 of 1,614,002 alleles (0.00074%); highest among the groups gnomAD compares: Non-Finnish European, 0.001%; no homozygotes.

Submissions (2):

Ambry Genetics
Classification: Uncertain significance for Inborn genetic diseases. Last evaluated: 2025-07-02. Review status: criteria provided, single submitter. Criteria: Ambry Variant Classification Scheme 2023. Collection method: clinical testing. Allele origin: germline.

Labcorp Genetics (formerly Invitae), Labcorp
Classification: Uncertain significance. Last evaluated: 2025-06-16. Review status: criteria provided, single submitter. Criteria: Invitae Variant Classification Sherloc (09022015). Collection method: clinical testing. Allele origin: germline.
Comment: This sequence change replaces alanine, which is neutral and non-polar, with proline, which is neutral and non-polar, at codon 86 of the ALPK1 protein (p.Ala86Pro). This variant is present in population databases (rs773063913, gnomAD 0.002%). This variant has not been reported in the literature in individuals affected with ALPK1-related conditions. ClinVar contains an entry for this variant (Variation ID: 2416313). Invitae Evidence Modeling of protein sequence and biophysical properties (such as structural, functional, and spatial information, amino acid conservation, physicochemical variation, residue mobility, and thermodynamic stability) indicates that this missense variant is not expected to disrupt ALPK1 protein function with a negative predictive value of 80%. In summary, the available evidence is currently insufficient to determine the role of this variant in disease. Therefore, it has been classified as a Variant of Uncertain Significance.